The following is an entry in ClinVar:

NM_001256012.3(MYH10):c.191A>G (p.Glu64Gly)

Gene: MYH10 (myosin heavy chain 10; minus strand). Cytogenetic location: 17p13.1.
Variant type: single nucleotide variant.
Coding change: c.191A>G on transcript NM_001256012.3 (MANE Select); coding-DNA position 191, A replaced by G.
Protein change: p.Glu64Gly; replaces glutamic acid 64 with glycine.
Molecular consequence: missense variant.
Genome position (GRCh38, 1-based): chr17:8,623,056, T>C on the plus strand (A>G on the coding strand, the complement: MYH10 is on the minus strand). VCF-style: chr17-8623056-T-C. GRCh37 (hg19) VCF-style: chr17-8526374-T-C.
Other names: c.191A>G, p.Glu64Gly (NM_001256095.2, NM_001375266.1, NM_005964.5); short protein forms E64G.
Identifiers: ClinVar variation 3777562 (VCV003777562.1).
Genomic context (GRCh38, chr17:8,623,056, plus strand): 5'-AACTTAGGTGGGTTCATCTTCTGAATATCATCTTTGTTGACCATTGCTTTCTTTCCATTC[T>C]CTGCCAACTCCACCATAACTTCATCTCCCCGTTCTTCTTTGATACTAGCTGCCTCAAAAC-3'
Protein context (NP_001242941.1, residues 54-74): RGDEVMVELA[Glu64Gly]NGKKAMVNKD

ClinVar aggregate classification (germline): Uncertain significance (1 of 4 stars; one submission).

Submission:

GeneDx
Classification: Uncertain significance. Last evaluated: 2024-10-11. Review status: criteria provided, single submitter. Criteria: GeneDx Variant Classification Process June 2021. Collection method: clinical testing. Allele origin: germline. Affected: yes.
Comment: Not observed at significant frequency in large population cohorts (gnomAD); In silico analysis supports that this missense variant has a deleterious effect on protein structure/function; Has not been previously published as pathogenic or benign to our knowledge